The following is an entry in ClinVar:

NM_017813.5(BPNT2):c.*5797C>T

Gene: BPNT2 (3'(2'), 5'-bisphosphate nucleotidase 2; minus strand). Cytogenetic location: 8q12.1.
Variant type: single nucleotide variant.
Coding change: c.*5797C>T on transcript NM_017813.5 (MANE Select); 5797 bases downstream of the stop codon, C replaced by T.
Molecular consequence: 3 prime UTR variant.
Genome position (GRCh38, 1-based): chr8:56,957,996, G>A on the plus strand (C>T on the coding strand, the complement: BPNT2 is on the minus strand). VCF-style: chr8-56957996-G-A. GRCh37 (hg19) VCF-style: chr8-57870555-G-A.
Identifiers: ClinVar variation 910250 (VCV000910250.4), dbSNP rs187795495, ClinGen allele CA177764256.

ClinVar aggregate classification (germline): Likely benign (1 of 4 stars; one submission).

Conditions:
Chondrodysplasia with joint dislocations, gPAPP type. Also called: GPAPP DEFICIENCY. Identifiers: Orphanet 280586, MedGen C3279757, MONDO:0013561, OMIM 614078.

Allele frequency attached by ClinVar (database versions not stated): 1000 Genomes Project 0.00060; 1000 Genomes Project 30x 0.00078; gnomAD 0.00103 and 0.00110; TOPMed 0.00113.

Submission:

Illumina Laboratory Services, Illumina
Classification: Likely benign for Chondrodysplasia with joint dislocations, gPAPP type. Last evaluated: 2018-01-12. Review status: criteria provided, single submitter. Criteria: ICSL Variant Classification Criteria 13 December 2019. Collection method: clinical testing. Allele origin: germline.
Comment: This variant was observed in the ICSL laboratory as part of a predisposition screen in an ostensibly healthy population. It had not been previously curated by ICSL or reported in the Human Gene Mutation Database (HGMD: prior to June 1st, 2018), and was therefore a candidate for classification through an automated scoring system. Utilizing variant allele frequency, disease prevalence and penetrance estimates, and inheritance mode, an automated score was calculated to assess if this variant is too frequent to cause the disease. Based on the score and internal cut-off values, a variant classified as likely benign is not then subjected to further curation. The score for this variant resulted in a classification of likely benign for this disease.